The following is an entry in ClinVar:

NM_002471.4(MYH6):c.4201G>A (p.Asp1401Asn)

Gene: MYH6 (myosin heavy chain 6; minus strand). Cytogenetic location: 14q11.2.
Variant type: single nucleotide variant.
Coding change: c.4201G>A on transcript NM_002471.4 (MANE Select); coding-DNA position 4201, G replaced by A.
Protein change: p.Asp1401Asn; replaces aspartic acid 1401 with asparagine.
Molecular consequence: missense variant.
Genome position (GRCh38, 1-based): chr14:23,388,313, C>T on the plus strand (G>A on the coding strand, the complement: MYH6 is on the minus strand). VCF-style: chr14-23388313-C-T. GRCh37 (hg19) VCF-style: chr14-23857522-C-T.
Other names: short protein forms D1401N.
Identifiers: ClinVar variation 2753265 (VCV002753265.3), dbSNP rs904103962, ClinGen allele CA257780917.

ClinVar aggregate classification (germline): Uncertain significance (1 of 4 stars; one submission).

Conditions:
Hypertrophic cardiomyopathy 14. Identifiers: MedGen C2750467, MONDO:0013197, OMIM 613251.

Submission:

Labcorp Genetics (formerly Invitae), Labcorp
Classification: Uncertain significance for Hypertrophic cardiomyopathy 14. Last evaluated: 2023-08-04. Review status: criteria provided, single submitter. Criteria: Invitae Variant Classification Sherloc (09022015). Collection method: clinical testing. Allele origin: germline.
Comment: This sequence change replaces aspartic acid, which is acidic and polar, with asparagine, which is neutral and polar, at codon 1401 of the MYH6 protein (p.Asp1401Asn). This variant is not present in population databases (gnomAD no frequency). This variant has not been reported in the literature in individuals affected with MYH6-related conditions. Advanced modeling of protein sequence and biophysical properties (such as structural, functional, and spatial information, amino acid conservation, physicochemical variation, residue mobility, and thermodynamic stability) performed at Invitae indicates that this missense variant is not expected to disrupt MYH6 protein function. In summary, the available evidence is currently insufficient to determine the role of this variant in disease. Therefore, it has been classified as a Variant of Uncertain Significance.